The following is an entry in ClinVar:

NM_001283009.2(RTEL1):c.695C>T (p.Ala232Val)

Genes: RTEL1 (regulator of telomere elongation helicase 1; plus strand), RTEL1-TNFRSF6B (RTEL1-TNFRSF6B readthrough (NMD candidate); plus strand). Cytogenetic location: 20q13.33.
Variant type: single nucleotide variant.
Coding change: c.695C>T on transcript NM_001283009.2 (MANE Select); coding-DNA position 695, C replaced by T.
Protein change: p.Ala232Val; replaces alanine 232 with valine.
Molecular consequence: missense variant. On other transcripts: non-coding transcript variant (1).
Genome position (GRCh38, 1-based): chr20:63,667,549, C>T. VCF-style: chr20-63667549-C-T. GRCh37 (hg19) VCF-style: chr20-62298902-C-T.
Other names: c.26C>T, p.Ala9Val (NM_001283010.1); c.695C>T, p.Ala232Val (NM_016434.4); c.767C>T, p.Ala256Val (NM_032957.5); short protein forms A232V, A256V, A9V.
Identifiers: ClinVar variation 1516060 (VCV001516060.11), dbSNP rs1035560386, ClinGen allele CA317492508.
Genomic context (GRCh38, chr20:63,667,549, plus strand): 5'-CCCGGAACCTGAAGCAGCAAGCCGACATCATATTCATGCCGTACAATTACTTGTTGGATG[C>T]CAAGGTGGGGGCTCAGTCCTGTAGCTGACGACTCCTGATGTCCAGGGGTGTCCCTGGGCT-3'
Protein context (NP_001269938.1, residues 222-242): IFMPYNYLLD[Ala232Val]KSRRAHNIDL

ClinVar aggregate classification (germline): Uncertain significance. Review status: criteria provided, multiple submitters, no conflicts (2 of 4 stars). 2 submissions from 2 submitters: Uncertain significance (2). Last evaluated 2025-11-10.

Conditions:
Inborn genetic diseases. Identifiers: MedGen C0950123, MeSH D030342.
Dyskeratosis congenita, autosomal recessive 5 (DKCB5). Identifiers: MedGen C3554656, MONDO:0014076, OMIM 615190.
Pulmonary fibrosis and/or bone marrow failure, Telomere-related, 3. Also called: PULMONARY FIBROSIS AND/OR BONE MARROW FAILURE SYNDROME, TELOMERE-RELATED, 3. Identifiers: Orphanet 2032, MedGen C4225346, MONDO:0014613, OMIM 616373.

Allele frequency attached by ClinVar (database versions not stated): gnomAD exomes below 0.00001; TOPMed 0.00001.
gnomAD v4.1: 3 of 1,613,392 alleles (0.00019%); highest among the groups gnomAD compares: African/African-American, 0.0013%; no homozygotes.

Submissions (2):

Labcorp Genetics (formerly Invitae), Labcorp
Classification: Uncertain significance for Dyskeratosis congenita, autosomal recessive 5; Pulmonary fibrosis and/or bone marrow failure, Telomere-related, 3. Last evaluated: 2025-11-10. Review status: criteria provided, single submitter. Criteria: Invitae Variant Classification Sherloc (09022015). Collection method: clinical testing. Allele origin: germline.
Comment: This sequence change replaces alanine, which is neutral and non-polar, with valine, which is neutral and non-polar, at codon 232 of the RTEL1 protein (p.Ala232Val). This variant is not present in population databases (gnomAD no frequency). This variant has not been reported in the literature in individuals affected with RTEL1-related conditions. ClinVar contains an entry for this variant (Variation ID: 1516060). An algorithm developed to predict the effect of missense changes on protein structure and function (PolyPhen-2) suggests that this variant is likely to be tolerated. In summary, the available evidence is currently insufficient to determine the role of this variant in disease. Therefore, it has been classified as a Variant of Uncertain Significance.

Ambry Genetics
Classification: Uncertain significance for Inborn genetic diseases. Last evaluated: 2025-01-22. Review status: criteria provided, single submitter. Criteria: Ambry Variant Classification Scheme 2023. Collection method: clinical testing. Allele origin: germline.
Comment: The p.A232V variant (also known as c.695C>T), located in coding exon 7 of the RTEL1 gene, results from a C to T substitution at nucleotide position 695. The alanine at codon 232 is replaced by valine, an amino acid with similar properties. This amino acid position is conserved. In addition, this alteration is predicted to be tolerated by in silico analysis. Based on the available evidence, the clinical significance of this variant remains unclear.